The following is an entry in ClinVar:

ClinVar aggregate classification (germline): Uncertain significance (1 of 4 stars; one submission).

Submission:

GeneDx
Classification: Uncertain significance. Last evaluated: 2026-02-01. Review status: criteria provided, single submitter. Criteria: GeneDx Variant Classification Process June 2021. Collection method: clinical testing. Allele origin: germline.
Comment: Not observed at significant frequency in large population cohorts (gnomAD); In silico analysis supports that this missense variant has a deleterious effect on protein structure/function; Has not been previously published as pathogenic or benign to our knowledge

NM_133433.4(NIPBL):c.3886T>C (p.Trp1296Arg)

Gene: NIPBL (NIPBL cohesin loading factor; plus strand). Cytogenetic location: 5p13.2.
Variant type: single nucleotide variant.
Coding change: c.3886T>C on transcript NM_133433.4 (MANE Select); coding-DNA position 3886, T replaced by C.
Protein change: p.Trp1296Arg; replaces tryptophan 1296 with arginine.
Molecular consequence: missense variant.
Genome position (GRCh38, 1-based): chr5:37,006,387, T>C. VCF-style: chr5-37006387-T-C. GRCh37 (hg19) VCF-style: chr5-37006489-T-C.
Other names: c.3886T>C, p.Trp1296Arg (NM_001438586.1, NM_015384.5); short protein forms W1296R.
Identifiers: ClinVar variation 4975786 (VCV004975786.1).
Genomic context (GRCh38, chr5:37,006,387, plus strand): 5'-TTCCATTTCATTAACAATACTGTTTTACAGAATAACGATACTGAAGAAGAAGAAAGGTTA[T>C]GGAGAGACCTTATTATGGAGAGAGTTACAAAATCAGCGGATGCTTGTCTTACAACTATCA-3'
Protein context (NP_597677.2, residues 1286-1306): NNDTEEEERL[Trp1296Arg]RDLIMERVTK